The following is an entry in ClinVar:

NM_004444.5(EPHB4):c.719G>A (p.Arg240His)

Gene: EPHB4 (EPH receptor B4; minus strand). Cytogenetic location: 7q22.1.
Variant type: single nucleotide variant.
Coding change: c.719G>A on transcript NM_004444.5 (MANE Select); coding-DNA position 719, G replaced by A.
Protein change: p.Arg240His; replaces arginine 240 with histidine.
Molecular consequence: missense variant.
Genome position (GRCh38, 1-based): chr7:100,822,360, C>T on the plus strand (G>A on the coding strand, the complement: EPHB4 is on the minus strand). VCF-style: chr7-100822360-C-T. GRCh37 (hg19) VCF-style: chr7-100419982-C-T.
Other names: short protein forms R240H.
Identifiers: ClinVar variation 3509381 (VCV003509381.1).

ClinVar aggregate classification (germline): Uncertain significance (1 of 4 stars; one submission).

Conditions:
Cardiovascular phenotype. Identifiers: MedGen CN230736.

gnomAD v4.1: 4 of 1,571,910 alleles (0.00025%); highest among the groups gnomAD compares: Non-Finnish European, 0.00026%; no homozygotes.

Submission:

Ambry Genetics
Classification: Uncertain significance for Cardiovascular phenotype. Last evaluated: 2024-08-25. Review status: criteria provided, single submitter. Criteria: Ambry Variant Classification Scheme 2023. Collection method: clinical testing. Allele origin: germline.
Comment: The p.R240H variant (also known as c.719G>A), located in coding exon 4 of the EPHB4 gene, results from a G to A substitution at nucleotide position 719. The arginine at codon 240 is replaced by histidine, an amino acid with highly similar properties. This amino acid position is conserved. In addition, this alteration is predicted to be tolerated by in silico analysis. Based on the available evidence, the clinical significance of this variant remains unclear.